The following is an entry in ClinVar:

ClinVar aggregate classification (germline): Likely benign (1 of 4 stars; one submission).

Submission:

Women's Health and Genetics/Laboratory Corporation of America, LabCorp
Classification: Likely benign. Last evaluated: 2023-02-06. Review status: criteria provided, single submitter. Criteria: LabCorp Variant Classification Summary - May 2015. Collection method: clinical testing. Allele origin: germline.
Comment: Variant summary: TGFB2 c.597C>G alters a non-conserved nucleotide resulting in a synonymous change. 4/4 computational tools predict no significant impact on normal splicing. However, these predictions have yet to be confirmed by functional studies. The variant was absent in 251200 control chromosomes (gnomAD). The available data on variant occurrences in the general population are insufficient to allow any conclusion about variant significance. To our knowledge, no occurrence of c.597C>G in individuals affected with Loeys-Dietz Syndrome and no experimental evidence demonstrating its impact on protein function have been reported. No clinical diagnostic laboratories have submitted clinical-significance assessments for this variant to ClinVar after 2014. Based on the evidence outlined above, the variant was classified as likely benign.

NM_003238.6(TGFB2):c.597C>G (p.Leu199=)

Gene: TGFB2 (transforming growth factor beta 2; plus strand). Cytogenetic location: 1q41.
Variant type: single nucleotide variant.
Coding change: c.597C>G on transcript NM_003238.6 (MANE Select); coding-DNA position 597, C replaced by G.
Protein change: p.Leu199=; no amino-acid change (leucine 199 retained).
Molecular consequence: synonymous variant. On other transcripts: non-coding transcript variant (2).
Genome position (GRCh38, 1-based): chr1:218,434,168, C>G. VCF-style: chr1-218434168-C-G. GRCh37 (hg19) VCF-style: chr1-218607510-C-G.
Other names: c.681C>G, p.Leu227= (NM_001135599.4).
Identifiers: ClinVar variation 2445732 (VCV002445732.1), dbSNP rs2464864530, ClinGen allele CA423413783.